The following is an entry in ClinVar:

NM_001101362.3(KBTBD13):c.196C>T (p.Arg66Cys)

Gene: KBTBD13 (kelch repeat and BTB domain containing 13; plus strand). Cytogenetic location: 15q22.31.
Variant type: single nucleotide variant.
Coding change: c.196C>T on transcript NM_001101362.3 (MANE Select); coding-DNA position 196, C replaced by T.
Protein change: p.Arg66Cys; replaces arginine 66 with cysteine.
Molecular consequence: missense variant.
Genome position (GRCh38, 1-based): chr15:65,077,011, C>T. VCF-style: chr15-65077011-C-T. GRCh37 (hg19) VCF-style: chr15-65369349-C-T.
Other names: short protein forms R66C.
Identifiers: ClinVar variation 4885860 (VCV004885860.2).

ClinVar aggregate classification (germline): Uncertain significance (1 of 4 stars; one submission).

gnomAD v4.1: 7 of 1,512,190 alleles (0.00046%); highest among the groups gnomAD compares: South Asian, 0.0025%; no homozygotes.

Submission:

Dasa
Classification: Uncertain significance. Last evaluated: 2025-10-08. Review status: criteria provided, single submitter. Criteria: DASA Assertion Criteria. Collection method: clinical testing. Allele origin: germline.
Comment: NM_001101362.3(KBTBD13):c.196C>T (p.Arg66Cys) is a missense variant that results in the substitution of arginine with cysteine. This variant is rare in population databases. The currently available literature and clinical evidence are not sufficient to establish a definitive association between this variant and the reported condition. Therefore, this variant is classified as a variant of uncertain significance.